The following is an entry in ClinVar:

NM_001375524.1(TRRAP):c.6532C>A (p.Leu2178Ile)

Gene: TRRAP (transformation/transcription domain associated protein; plus strand). Cytogenetic location: 7q22.1.
Variant type: single nucleotide variant.
Coding change: c.6532C>A on transcript NM_001375524.1 (MANE Select); coding-DNA position 6532, C replaced by A.
Protein change: p.Leu2178Ile; replaces leucine 2178 with isoleucine.
Molecular consequence: missense variant.
Genome position (GRCh38, 1-based): chr7:98,961,303, C>A. VCF-style: chr7-98961303-C-A. GRCh37 (hg19) VCF-style: chr7-98558926-C-A.
Other names: c.6511C>A (NM_001244580.1); c.6511C>A, p.Leu2171Ile (NM_001244580.2); c.6457C>A, p.Leu2153Ile (NM_003496.4); short protein forms L2153I, L2171I, L2178I.
Identifiers: ClinVar variation 2082110 (VCV002082110.5), dbSNP rs762066019, ClinGen allele CA368284671.
Genomic context (GRCh38, chr7:98,961,303, plus strand): 5'-CTGTGTTGTCCATTGCAGGAGCAGCCAAACCAAGTGAACTATGGGAATATCTGCACGGGC[C>A]TAGAAGTGCTGAGCTTCCTGCTAACTGTCCTCCAGTCCCCAGCCATCCTCAGTAGCTTCA-3'
Protein context (NP_001362453.1, residues 2168-2188): QVNYGNICTG[Leu2178Ile]EVLSFLLTVL

ClinVar aggregate classification (germline): Uncertain significance. Review status: criteria provided, multiple submitters, no conflicts (2 of 4 stars). 2 submissions from 2 submitters: Uncertain significance (2). Last evaluated 2025-02-24.

Conditions:
Inborn genetic diseases. Identifiers: MedGen C0950123, MeSH D030342.

Allele frequency attached by ClinVar (database versions not stated): TOPMed below 0.00001.
gnomAD v4.1: 3 of 1,614,238 alleles (0.00019%); highest among the groups gnomAD compares: African/African-American, 0.0027%; no homozygotes.

Submissions (2):

Ambry Genetics
Classification: Uncertain significance for Inborn genetic diseases. Last evaluated: 2025-02-24. Review status: criteria provided, single submitter. Criteria: Ambry Variant Classification Scheme 2023. Collection method: clinical testing. Allele origin: germline.

Labcorp Genetics (formerly Invitae), Labcorp
Classification: Uncertain significance. Last evaluated: 2022-01-13. Review status: criteria provided, single submitter. Criteria: Invitae Variant Classification Sherloc (09022015). Collection method: clinical testing. Allele origin: germline.
Comment: In summary, the available evidence is currently insufficient to determine the role of this variant in disease. Therefore, it has been classified as a Variant of Uncertain Significance. Algorithms developed to predict the effect of missense changes on protein structure and function are either unavailable or do not agree on the potential impact of this missense change (SIFT: "Tolerated"; PolyPhen-2: "Possibly Damaging"; Align-GVGD: "Class C0"). This variant has not been reported in the literature in individuals affected with TRRAP-related conditions. This variant is not present in population databases (gnomAD no frequency). This sequence change replaces leucine, which is neutral and non-polar, with isoleucine, which is neutral and non-polar, at codon 2153 of the TRRAP protein (p.Leu2153Ile).